The following is an entry in ClinVar:

NM_022124.6(CDH23):c.3220+10A>G

Gene: CDH23 (cadherin related 23; plus strand). Cytogenetic location: 10q22.1.
Variant type: single nucleotide variant.
Coding change: c.3220+10A>G on transcript NM_022124.6 (MANE Select); 10 bases into the intron after coding-DNA position 3220, A replaced by G.
Molecular consequence: intron variant.
Genome position (GRCh38, 1-based): chr10:71,709,221, A>G. VCF-style: chr10-71709221-A-G. GRCh37 (hg19) VCF-style: chr10-73468978-A-G.
Other names: c.3220+10A>G (NM_001171930.2, NM_022124.5).
Identifiers: ClinVar variation 1078637 (VCV001078637.10), dbSNP rs1289907845, ClinGen allele CA668080020.

ClinVar aggregate classification (germline): Likely benign. Review status: criteria provided, multiple submitters, no conflicts (2 of 4 stars). 2 submissions from 2 submitters: Likely benign (2). Last evaluated 2026-02-10.

Conditions:
CDH23-related disorder. Also called: CDH23-related disorders; CDH23-related condition.

gnomAD v4.1: 5 of 1,606,760 alleles (0.00031%); highest among the groups gnomAD compares: Admixed American, 0.0017%; no homozygotes.

Submissions (2):

PreventionGenetics, part of Exact Sciences
Classification: Likely benign for CDH23-related condition. Last evaluated: 2026-02-10. Review status: criteria provided, single submitter. Criteria: ACMG Guidelines, 2015. Collection method: clinical testing. Allele origin: germline.
Comment: This variant is classified as likely benign based on ACMG/AMP sequence variant interpretation guidelines (Richards et al. 2015 PMID: 25741868, with internal and published modifications).

Labcorp Genetics (formerly Invitae), Labcorp
Classification: Likely benign. Last evaluated: 2025-08-17. Review status: criteria provided, single submitter. Criteria: Invitae Variant Classification Sherloc (09022015). Collection method: clinical testing. Allele origin: germline.